The following is an entry in ClinVar:

NM_001042492.3(NF1):c.4322T>C (p.Leu1441Ser)

Gene: NF1 (neurofibromin 1; plus strand). Cytogenetic location: 17q11.2.
Variant type: single nucleotide variant.
Coding change: c.4322T>C on transcript NM_001042492.3 (MANE Select); coding-DNA position 4322, T replaced by C.
Protein change: p.Leu1441Ser; replaces leucine 1441 with serine.
Molecular consequence: missense variant.
Genome position (GRCh38, 1-based): chr17:31,258,492, T>C. VCF-style: chr17-31258492-T-C. GRCh37 (hg19) VCF-style: chr17-29585510-T-C.
Other names: c.4259T>C, p.Leu1420Ser (NM_000267.4); short protein forms L1441S, L1420S.
Identifiers: ClinVar variation 1940241 (VCV001940241.6), dbSNP rs2151462189, ClinGen allele CA398998143.

ClinVar aggregate classification (germline): Uncertain significance. Review status: criteria provided, multiple submitters, no conflicts (2 of 4 stars). 2 submissions from 2 submitters: Uncertain significance (2). Last evaluated 2025-06-11.

Conditions:
Neurofibromatosis, type 1 (NF1). Also called: NEUROFIBROMATOSIS, TYPE I, SOMATIC; VON RECKLINGHAUSEN DISEASE; Peripheral type neurofibromatosis; Neurofibromatosis, type I. Identifiers: Orphanet 636, MedGen C0027831, MONDO:0018975, OMIM 162200. Disease mechanism: loss of function.
Cardiovascular phenotype. Identifiers: MedGen CN230736.
Hereditary cancer-predisposing syndrome. Also called: Neoplastic Syndromes, Hereditary; Hereditary neoplastic syndrome; Tumor predisposition; Hereditary Cancer Syndrome. Identifiers: Orphanet 140162, MedGen C0027672, MeSH D009386, MONDO:0015356.

Submissions (2):

Ambry Genetics
Classification: Uncertain significance for Cardiovascular phenotype; Hereditary cancer-predisposing syndrome. Last evaluated: 2025-06-11. Review status: criteria provided, single submitter. Criteria: Ambry Variant Classification Scheme 2023. Collection method: clinical testing. Allele origin: germline.
Comment: The p.L1420S variant (also known as c.4259T>C), located in coding exon 31 of the NF1 gene, results from a T to C substitution at nucleotide position 4259. The leucine at codon 1420 is replaced by serine, an amino acid with dissimilar properties. This amino acid position is highly conserved in available vertebrate species. In addition, this alteration is predicted to be deleterious by in silico analysis. Based on the available evidence, the clinical significance of this variant remains unclear.

Labcorp Genetics (formerly Invitae), Labcorp
Classification: Uncertain significance for Neurofibromatosis, type 1. Last evaluated: 2024-04-22. Review status: criteria provided, single submitter. Criteria: Invitae Variant Classification Sherloc (09022015). Collection method: clinical testing. Allele origin: germline.
Comment: This sequence change replaces leucine, which is neutral and non-polar, with serine, which is neutral and polar, at codon 1420 of the NF1 protein (p.Leu1420Ser). This variant is not present in population databases (gnomAD no frequency). This variant has not been reported in the literature in individuals affected with NF1-related conditions. ClinVar contains an entry for this variant (Variation ID: 1940241). Advanced modeling of protein sequence and biophysical properties (such as structural, functional, and spatial information, amino acid conservation, physicochemical variation, residue mobility, and thermodynamic stability) performed at Invitae indicates that this missense variant is expected to disrupt NF1 protein function with a positive predictive value of 95%. In summary, the available evidence is currently insufficient to determine the role of this variant in disease. Therefore, it has been classified as a Variant of Uncertain Significance.